The following is an entry in ClinVar:

ClinVar aggregate classification (germline): Benign/Likely benign. Review status: criteria provided, multiple submitters, no conflicts (2 of 4 stars). 3 submissions from 3 submitters: Benign (1); Likely benign (2). Last evaluated 2026-01-31.

Conditions:
Trichohepatoenteric syndrome 2 (THES2). Identifiers: Orphanet 84064, MedGen C3281289, MONDO:0013818, OMIM 614602.

Allele frequency attached by ClinVar (database versions not stated): gnomAD exomes 0.00027 and 0.00051; ExAC 0.00060; ESP Exome Variant Server 0.00185; TOPMed 0.00198; gnomAD 0.00217 and 0.00222; 1000 Genomes Project 0.00359; 1000 Genomes Project 30x 0.00422.
gnomAD v4.1: 737 of 1,613,878 alleles (0.046%); highest among the groups gnomAD compares: African/African-American, 0.83%; 7 homozygotes.

Submissions (3):

Labcorp Genetics (formerly Invitae), Labcorp
Classification: Benign. Last evaluated: 2026-01-31. Review status: criteria provided, single submitter. Criteria: Invitae Variant Classification Sherloc (09022015). Collection method: clinical testing. Allele origin: germline.

Blueprint Genetics
Classification: Likely benign. Last evaluated: 2024-11-01. Review status: criteria provided, single submitter. Criteria: ACMG Guidelines, 2015. Collection method: clinical testing. Allele origin: germline.

Illumina Laboratory Services, Illumina
Classification: Likely benign for Trichohepatoenteric syndrome 2. Last evaluated: 2018-01-13. Review status: criteria provided, single submitter. Criteria: ICSL Variant Classification Criteria 13 December 2019. Collection method: clinical testing. Allele origin: germline.
Comment: This variant was observed in the ICSL laboratory as part of a predisposition screen in an ostensibly healthy population. It had not been previously curated by ICSL or reported in the Human Gene Mutation Database (HGMD: prior to June 1st, 2018), and was therefore a candidate for classification through an automated scoring system. Utilizing variant allele frequency, disease prevalence and penetrance estimates, and inheritance mode, an automated score was calculated to assess if this variant is too frequent to cause the disease. Based on the score and internal cut-off values, a variant classified as likely benign is not then subjected to further curation. The score for this variant resulted in a classification of likely benign for this disease.

NM_006929.5(SKIC2):c.2203-12A>G

Gene: SKIC2 (SKI2 subunit of superkiller complex; plus strand). Cytogenetic location: 6p21.33.
Variant type: single nucleotide variant.
Coding change: c.2203-12A>G on transcript NM_006929.5 (MANE Select); 12 bases into the intron before coding-DNA position 2203, A replaced by G.
Molecular consequence: intron variant.
Genome position (GRCh38, 1-based): chr6:31,966,697, A>G. VCF-style: chr6-31966697-A-G. GRCh37 (hg19) VCF-style: chr6-31934474-A-G.
Identifiers: ClinVar variation 356335 (VCV000356335.14), dbSNP rs114974766, ClinGen allele CA3729712.
Genomic context (GRCh38, chr6:31,966,697, plus strand): 5'-CCAGTCCAGAAGACTGGCTGGGGTTCAGTAGGTCCCACCCTGATCTCAGTGACTTCTGTG[A>G]CCTGACTCCAGGGGAAGCCGTCCCAGCTGCAGTCCCAGTTCCGCCTCACGTACACTATGA-3'